The following is an entry in ClinVar:

NM_004982.4(KCNJ8):c.778T>C (p.Phe260Leu)

Genes: KCNJ8 (potassium inwardly rectifying channel subfamily J member 8; minus strand), KCNJ8-AS1 (KCNJ8 antisense RNA 1; plus strand). Cytogenetic location: 12p12.1.
Variant type: single nucleotide variant.
Coding change: c.778T>C on transcript NM_004982.4 (MANE Select); coding-DNA position 778, T replaced by C.
Protein change: p.Phe260Leu; replaces phenylalanine 260 with leucine.
Molecular consequence: missense variant.
Genome position (GRCh38, 1-based): chr12:21,766,220, A>G on the plus strand (T>C on the coding strand, the complement: KCNJ8 is on the minus strand). VCF-style: chr12-21766220-A-G. GRCh37 (hg19) VCF-style: chr12-21919154-A-G.
Other names: short protein forms F260L.
Identifiers: ClinVar variation 1020159 (VCV001020159.8), dbSNP rs1940616222, ClinGen allele CA384124375.
Genomic context (GRCh38, chr12:21,766,220, plus strand): 5'-TGTCATACAGGGGACTGCGCTTGTCAATCACGTGGCAGATGATCAAAGGGGCCACCAGAA[A>G]AATGTTATTGCTCTCGATTGGGTTATCAACAGGAATGTCCAGTTGGTGAATAGGAACCAC-3'
Protein context (NP_004973.1, residues 250-270): VDNPIESNNI[Phe260Leu]LVAPLIICHV

ClinVar aggregate classification (germline): Uncertain significance (1 of 4 stars; one submission).

Conditions:
Brugada syndrome. Also called: Sudden unexpected nocturnal death syndrome; Sudden Unexplained Death Syndrome; Sudden Unexplained Nocturnal Death Syndrome (SUNDS); Sudden unexplained nocturnal death syndrome. Identifiers: Orphanet 130, MedGen C1142166, MONDO:0015263.

Submission:

Labcorp Genetics (formerly Invitae), Labcorp
Classification: Uncertain significance for Brugada syndrome. Last evaluated: 2020-10-07. Review status: criteria provided, single submitter. Criteria: Invitae Variant Classification Sherloc (09022015). Collection method: clinical testing. Allele origin: germline.
Comment: This sequence change replaces phenylalanine with leucine at codon 260 of the KCNJ8 protein (p.Phe260Leu). The phenylalanine residue is highly conserved and there is a small physicochemical difference between phenylalanine and leucine. This variant is not present in population databases (ExAC no frequency). This variant has not been reported in the literature in individuals with KCNJ8-related conditions. Advanced modeling of protein sequence and biophysical properties (such as structural, functional, and spatial information, amino acid conservation, physicochemical variation, residue mobility, and thermodynamic stability) performed at Invitae indicates that this missense variant is expected to disrupt KCNJ8 protein function. In summary, the available evidence is currently insufficient to determine the role of this variant in disease. Therefore, it has been classified as a Variant of Uncertain Significance.